The following is an entry in ClinVar:

ClinVar aggregate classification (germline): Uncertain significance. Review status: criteria provided, multiple submitters, no conflicts (2 of 4 stars). 2 submissions from 2 submitters: Uncertain significance (2). Last evaluated 2025-08-09.

Conditions:
Neutropenia, severe congenital, 2, autosomal dominant. Identifiers: Orphanet 486, MedGen C2751288, MONDO:0013139, OMIM 613107.

Allele frequency attached by ClinVar (database versions not stated): gnomAD exomes 0.00001; TOPMed 0.00002; ExAC 0.00003; gnomAD 0.00003; ESP Exome Variant Server 0.00009.
gnomAD v4.1: 13 of 1,600,150 alleles (0.00081%); highest among the groups gnomAD compares: African/African-American, 0.0053%; no homozygotes.

Submissions (2):

Ambry Genetics
Classification: Uncertain significance. Last evaluated: 2025-08-09. Review status: criteria provided, single submitter. Criteria: Ambry Variant Classification Scheme 2023. Collection method: clinical testing. Allele origin: germline.

Labcorp Genetics (formerly Invitae), Labcorp
Classification: Uncertain significance for Neutropenia, severe congenital, 2, autosomal dominant. Last evaluated: 2022-06-13. Review status: criteria provided, single submitter. Criteria: Invitae Variant Classification Sherloc (09022015). Collection method: clinical testing. Allele origin: germline.
Comment: The frequency data for this variant in the population databases is considered unreliable, as metrics indicate poor data quality at this position in the gnomAD database. This sequence change replaces alanine, which is neutral and non-polar, with valine, which is neutral and non-polar, at codon 206 of the GFI1 protein (p.Ala206Val). This variant has not been reported in the literature in individuals affected with GFI1-related conditions. In summary, the available evidence is currently insufficient to determine the role of this variant in disease. Therefore, it has been classified as a Variant of Uncertain Significance. Algorithms developed to predict the effect of missense changes on protein structure and function (SIFT, PolyPhen-2, Align-GVGD) all suggest that this variant is likely to be tolerated.

NM_005263.5(GFI1):c.617C>T (p.Ala206Val)

Gene: GFI1 (growth factor independent 1 transcriptional repressor; minus strand). Cytogenetic location: 1p22.1.
Variant type: single nucleotide variant.
Coding change: c.617C>T on transcript NM_005263.5 (MANE Select); coding-DNA position 617, C replaced by T.
Protein change: p.Ala206Val; replaces alanine 206 with valine.
Molecular consequence: missense variant.
Genome position (GRCh38, 1-based): chr1:92,480,770, G>A on the plus strand (C>T on the coding strand, the complement: GFI1 is on the minus strand). VCF-style: chr1-92480770-G-A. GRCh37 (hg19) VCF-style: chr1-92946327-G-A.
Other names: c.617C>T, p.Ala206Val (NM_001127215.3, NM_001127216.3); c.617C>T (NM_005263.3); short protein forms A206V.
Identifiers: ClinVar variation 1419937 (VCV001419937.10), dbSNP rs368471074, ClinGen allele CA951353.